The following is an entry in ClinVar:

NM_000051.4(ATM):c.6310T>G (p.Trp2104Gly)

Genes: ATM (ATM serine/threonine kinase; plus strand), C11orf65 (chromosome 11 open reading frame 65; minus strand). Cytogenetic location: 11q22.3.
Variant type: single nucleotide variant.
Coding change: c.6310T>G on transcript NM_000051.4 (MANE Select); coding-DNA position 6310, T replaced by G.
Protein change: p.Trp2104Gly; replaces tryptophan 2104 with glycine.
Molecular consequence: missense variant. On other transcripts: intron variant (2).
Genome position (GRCh38, 1-based): chr11:108,317,484, T>G. VCF-style: chr11-108317484-T-G. GRCh37 (hg19) VCF-style: chr11-108188211-T-G.
Other names: c.6310T>G, p.Trp2104Gly (NM_001351834.2); c.641-8413A>C (NM_001330368.2); c.*39-8413A>C (NM_001351110.2); short protein forms W2104G.
Identifiers: ClinVar variation 2050044 (VCV002050044.4), dbSNP rs2547116383, ClinGen allele CA382552149.
Genomic context (GRCh38, chr11:108,317,484, plus strand): 5'-TTGGATTATGAAAATAAAGACTGGTGTCCTGAACTAGAAGAACTTCATTACCAAGCAGCA[T>G]GGAGGAATATGCAGTGGGACCATTGCACTTCCGTCAGGTAAGAAATTTGACTTGATTTTT-3'
Protein context (NP_000042.3, residues 2094-2114): ELEELHYQAA[Trp2104Gly]RNMQWDHCTS

ClinVar aggregate classification (germline): Uncertain significance (1 of 4 stars; one submission).

Conditions:
Ataxia-telangiectasia syndrome (AT). Also called: Ataxia-telangiectasia, complementation group D; AT, COMPLEMENTATION GROUP C; ATAXIA-TELANGIECTASIA, COMPLEMENTATION GROUP A; ATAXIA-TELANGIECTASIA, FRESNO VARIANT; Ataxia-telangiectasia, complementation group E; LOUIS-BAR SYNDROME. Identifiers: Orphanet 100, MedGen C0004135, MONDO:0008840, OMIM 208900.

Submission:

Labcorp Genetics (formerly Invitae), Labcorp
Classification: Uncertain significance for Ataxia-telangiectasia syndrome. Last evaluated: 2023-03-23. Review status: criteria provided, single submitter. Criteria: Invitae Variant Classification Sherloc (09022015). Collection method: clinical testing. Allele origin: germline.
Comment: An algorithm developed to predict the effect of missense changes on protein structure and function (PolyPhen-2) suggests that this variant is likely to be disruptive. ClinVar contains an entry for this variant (Variation ID: 2050044). This variant has not been reported in the literature in individuals affected with ATM-related conditions. This variant is not present in population databases (gnomAD no frequency). This sequence change replaces tryptophan, which is neutral and slightly polar, with glycine, which is neutral and non-polar, at codon 2104 of the ATM protein (p.Trp2104Gly). In summary, the available evidence is currently insufficient to determine the role of this variant in disease. Therefore, it has been classified as a Variant of Uncertain Significance.